The following is an entry in ClinVar:

ClinVar aggregate classification (germline): Conflicting classifications of pathogenicity. Review status: criteria provided, conflicting classifications (1 of 4 stars). 4 submissions from 4 submitters: Uncertain significance (1); Likely benign (3). Last evaluated 2025-12-08.

Conditions:
Hereditary cancer-predisposing syndrome. Also called: Hereditary neoplastic syndrome; Neoplastic Syndromes, Hereditary; Tumor predisposition; Hereditary Cancer Syndrome. Identifiers: Orphanet 140162, MedGen C0027672, MeSH D009386, MONDO:0015356.
Microcephaly, normal intelligence and immunodeficiency (NBS). Also called: IMMUNODEFICIENCY, MICROCEPHALY, AND CHROMOSOMAL INSTABILITY; SEEMANOVA SYNDROME II; Nijmegen breakage syndrome; Microcephaly with normal intelligence immunodeficiency and lymphoreticular malignancies; Nonsyndromal microcephaly autosomal recessive with normal intelligence; Seemanova syndrome 2. Identifiers: Orphanet 647, MedGen C0398791, MONDO:0009623, OMIM 251260.

Allele frequency attached by ClinVar (database versions not stated): gnomAD below 0.00001 and 0.00003; gnomAD exomes 0.00006 and 0.00010; ExAC 0.00014; 1000 Genomes Project 30x 0.00016; 1000 Genomes Project 0.00020.
gnomAD v4.1: 100 of 1,613,782 alleles (0.0062%); highest among the groups gnomAD compares: South Asian, 0.11%; no homozygotes.

Submissions (4):

Labcorp Genetics (formerly Invitae), Labcorp
Classification: Likely benign for Microcephaly, normal intelligence and immunodeficiency. Last evaluated: 2025-12-08. Review status: criteria provided, single submitter. Criteria: Invitae Variant Classification Sherloc (09022015). Collection method: clinical testing. Allele origin: germline.

Ambry Genetics
Classification: Likely benign for Hereditary cancer-predisposing syndrome. Last evaluated: 2023-03-22. Review status: criteria provided, single submitter. Criteria: Ambry Variant Classification Scheme 2023. Collection method: clinical testing. Allele origin: germline.

Genome-Nilou Lab
Classification: Uncertain significance for Microcephaly, normal intelligence and immunodeficiency. Last evaluated: 2021-11-07. Review status: criteria provided, single submitter. Criteria: ACMG Guidelines, 2015. Collection method: clinical testing. Allele origin: germline. Affected: no.

GeneDx
Classification: Likely benign. Last evaluated: 2018-05-04. Review status: criteria provided, single submitter. Criteria: GeneDx Variant Classification (06012015). Collection method: clinical testing. Allele origin: germline. Affected: yes.
Comment: This variant is considered likely benign or benign based on one or more of the following criteria: it is a conservative change, it occurs at a poorly conserved position in the protein, it is predicted to be benign by multiple in silico algorithms, and/or has population frequency not consistent with disease.

NM_002485.5(NBN):c.1232C>G (p.Ser411Cys)

Gene: NBN (nibrin; minus strand). Cytogenetic location: 8q21.3.
Variant type: single nucleotide variant.
Coding change: c.1232C>G on transcript NM_002485.5 (MANE Select); coding-DNA position 1232, C replaced by G.
Protein change: p.Ser411Cys; replaces serine 411 with cysteine.
Molecular consequence: missense variant.
Genome position (GRCh38, 1-based): chr8:89,955,448, G>C on the plus strand (C>G on the coding strand, the complement: NBN is on the minus strand). VCF-style: chr8-89955448-G-C. GRCh37 (hg19) VCF-style: chr8-90967676-G-C.
Other names: c.986C>G, p.Ser329Cys (NM_001024688.3); short protein forms S411C, S329C.
Identifiers: ClinVar variation 480019 (VCV000480019.22), dbSNP rs551032019, ClinGen allele CA4802777.
Genomic context (GRCh38, chr8:89,955,448, plus strand): 5'-AGCTGATAGTTTGGGATTCTCATCTTAGCCAAAGTATTTGATACCATACTATTATTATTA[G>C]AGCTTGTTTTGCAGGACTCCTTTACAGTGGGTGCATCTTGTGAAAGCATTCTGAATTTTT-3'
Protein context (NP_002476.2, residues 401-421): PTVKESCKTS[Ser411Cys]NNNSMVSNTL